The following is an entry in ClinVar:

ClinVar aggregate classification (germline): Uncertain significance (1 of 4 stars; one submission).

Conditions:
Spermatogenic failure 18. Identifiers: MedGen C4539783, MONDO:0054615, OMIM 617576.
Ciliary dyskinesia, primary, 37 (CILD37). Also called: CILIARY DYSKINESIA, PRIMARY, 37, WITH OR WITHOUT SITUS INVERSUS. Identifiers: MedGen C4539798, MONDO:0033204, OMIM 617577.

Allele frequency attached by ClinVar (database versions not stated): gnomAD exomes below 0.00001; ExAC 0.00002.
gnomAD v4.1: 1 of 1,600,894 alleles (0.000062%); highest among the groups gnomAD compares: South Asian, 0.0011%; no homozygotes.

Submission:

Labcorp Genetics (formerly Invitae), Labcorp
Classification: Uncertain significance for Ciliary dyskinesia, primary, 37; Spermatogenic failure 18. Last evaluated: 2021-03-13. Review status: criteria provided, single submitter. Criteria: Invitae Variant Classification Sherloc (09022015). Collection method: clinical testing. Allele origin: germline.
Comment: This variant has not been reported in the literature in individuals with DNAH1-related conditions. In summary, the available evidence is currently insufficient to determine the role of this variant in disease. Therefore, it has been classified as a Variant of Uncertain Significance. Algorithms developed to predict the effect of sequence changes on RNA splicing suggest that this variant may create or strengthen a splice site, but this prediction has not been confirmed by published transcriptional studies. Algorithms developed to predict the effect of missense changes on protein structure and function are either unavailable or do not agree on the potential impact of this missense change (SIFT: "Deleterious"; PolyPhen-2: "Probably Damaging"; Align-GVGD: "Class C0"). The frequency data for this variant in the population databases is considered unreliable, as metrics indicate poor data quality at this position in the ExAC database. This sequence change replaces alanine with glycine at codon 2923 of the DNAH1 protein (p.Ala2923Gly). The alanine residue is highly conserved and there is a small physicochemical difference between alanine and glycine.

NM_015512.5(DNAH1):c.8768C>G (p.Ala2923Gly)

Gene: DNAH1 (dynein axonemal heavy chain 1; plus strand). Cytogenetic location: 3p21.1.
Variant type: single nucleotide variant.
Coding change: c.8768C>G on transcript NM_015512.5 (MANE Select); coding-DNA position 8768, C replaced by G.
Protein change: p.Ala2923Gly; replaces alanine 2923 with glycine.
Molecular consequence: missense variant.
Genome position (GRCh38, 1-based): chr3:52,386,302, C>G. VCF-style: chr3-52386302-C-G. GRCh37 (hg19) VCF-style: chr3-52420318-C-G.
Other names: short protein forms A2923G.
Identifiers: ClinVar variation 1487492 (VCV001487492.8), dbSNP rs749858455, ClinGen allele CA2435314.